The following is an entry in ClinVar:

ClinVar aggregate classification (germline): Uncertain significance (1 of 4 stars; one submission).

Conditions:
Fructose-biphosphatase deficiency (FBP1D). Also called: Fructose-1,6-Bisphosphatase 1 Deficiency; Fructose 1,6 Bisphosphatase Deficiency; Fructose-1,6-Diphosphatase Deficiency. Identifiers: Orphanet 348, MedGen C0016756, MONDO:0009251, OMIM 229700.

Allele frequency attached by ClinVar (database versions not stated): TOPMed 0.00001.

Submission:

Labcorp Genetics (formerly Invitae), Labcorp
Classification: Uncertain significance for Fructose-biphosphatase deficiency. Last evaluated: 2018-05-14. Review status: criteria provided, single submitter. Criteria: Invitae Variant Classification Sherloc (09022015). Collection method: clinical testing. Allele origin: germline.
Comment: This sequence change replaces alanine with serine at codon 91 of the FBP1 protein (p.Ala91Ser). The alanine residue is moderately conserved and there is a moderate physicochemical difference between alanine and serine. This variant is not present in population databases (ExAC no frequency). This variant has not been reported in the literature in individuals with FBP1-related disease. Algorithms developed to predict the effect of missense changes on protein structure and function output the following: SIFT: "Tolerated"; PolyPhen-2: "Benign"; Align-GVGD: "Class C0". The serine amino acid residue is found in multiple mammalian species, suggesting that this missense change does not adversely affect protein function. These predictions have not been confirmed by published functional studies and their clinical significance is uncertain. In summary, the available evidence is currently insufficient to determine the role of this variant in disease. Therefore, it has been classified as a Variant of Uncertain Significance.

NM_000507.4(FBP1):c.271G>T (p.Ala91Ser)

Gene: FBP1 (fructose-bisphosphatase 1; minus strand). Cytogenetic location: 9q22.32.
Variant type: single nucleotide variant.
Coding change: c.271G>T on transcript NM_000507.4 (MANE Select); coding-DNA position 271, G replaced by T.
Protein change: p.Ala91Ser; replaces alanine 91 with serine.
Molecular consequence: missense variant.
Genome position (GRCh38, 1-based): chr9:94,620,391, C>A on the plus strand (G>T on the coding strand, the complement: FBP1 is on the minus strand). VCF-style: chr9-94620391-C-A. GRCh37 (hg19) VCF-style: chr9-97382673-C-A.
Other names: c.271G>T, p.Ala91Ser (NM_001127628.2); short protein forms A91S.
Identifiers: ClinVar variation 577048 (VCV000577048.1), dbSNP rs41316538, ClinGen allele CA196564427.